The following is an entry in ClinVar:

NM_015459.5(ATL3):c.650del (p.Phe217fs)

Genes: ATL3 (atlastin GTPase 3; minus strand), LNCROPM (lncRNA regulator of PLAAT3 mediated phospholipid metabolism; plus strand). Cytogenetic location: 11q13.1.
Variant type: Deletion.
Coding change: c.650del on transcript NM_015459.5 (MANE Select); coding-DNA position 650, one base deleted (T; older notation c.650delT).
Protein change: p.Phe217fs; shifts the reading frame from phenylalanine 217.
Molecular consequence: frameshift variant.
Genome position (GRCh38, 1-based): chr11:63,644,230, A deleted on the plus strand (T on the coding strand, the reverse complement: ATL3 is on the minus strand); the first of 3 consecutive A bases (chr11:63,644,230-63,644,232); deleting any one gives the same sequence. VCF-style (leftmost placement, unchanged base first): chr11-63644229-GA-G. GRCh37 (hg19) VCF-style: chr11-63411701-GA-G.
Other names: c.596del, p.Phe199fs (NM_001290048.2); short protein forms F217fs, F199fs.
Identifiers: ClinVar variation 939592 (VCV000939592.7), dbSNP rs1939792135, ClinGen allele CA1139661982.

ClinVar aggregate classification (germline): Uncertain significance (1 of 4 stars; one submission).

Conditions:
Neuropathy, hereditary sensory, type 1F. Also called: HSN IF; Hereditary sensory neuropathy type IF. Identifiers: Orphanet 36386, MedGen C3810194, MONDO:0014286, OMIM 615632.

Submission:

Labcorp Genetics (formerly Invitae), Labcorp
Classification: Uncertain significance for Neuropathy, hereditary sensory, type 1F. Last evaluated: 2024-07-19. Review status: criteria provided, single submitter. Criteria: Invitae Variant Classification Sherloc (09022015). Collection method: clinical testing. Allele origin: germline.
Comment: This sequence change creates a premature translational stop signal (p.Phe217Serfs*22) in the ATL3 gene. It is expected to result in an absent or disrupted protein product. However, the current clinical and genetic evidence is not sufficient to establish whether loss-of-function variants in ATL3 cause disease. This variant is not present in population databases (gnomAD no frequency). This variant has not been reported in the literature in individuals affected with ATL3-related conditions. ClinVar contains an entry for this variant (Variation ID: 939592). In summary, the available evidence is currently insufficient to determine the role of this variant in disease. Therefore, it has been classified as a Variant of Uncertain Significance.